The following is an entry in ClinVar:

NM_006941.4(SOX10):c.906_907delinsTT (p.Pro303Ser)

Genes: POLR2F (RNA polymerase II, I and III subunit F; plus strand), SOX10 (SRY-box transcription factor 10; minus strand). Cytogenetic location: 22q13.1.
Variant type: Indel.
Coding change: c.906_907delinsTT on transcript NM_006941.4 (MANE Select); coding-DNA positions 906 to 907, GC replaced by TT.
Protein change: p.Pro303Ser; replaces proline 303 with serine.
Molecular consequence: missense variant. On other transcripts: intron variant (3).
Genome position (GRCh38, 1-based): chr22:37,973,989-37,973,990, GC replaced by AA on the plus strand (GC replaced by TT on the coding strand, the reverse complement: SOX10 is on the minus strand). VCF-style: chr22-37973989-GC-AA. GRCh37 (hg19) VCF-style: chr22-38369996-GC-AA.
Other names: c.906_907delGCinsTT, p.Pro303Ser (NM_006941.3); c.*38+1679_*38+1680delinsAA (NM_001363825.1); c.293+6819_293+6820delinsAA (NM_001301130.2, NM_001301131.2); short protein forms P303S.
Identifiers: ClinVar variation 1704713 (VCV001704713.2), dbSNP rs2518042389, ClinGen allele CA2580099761.

ClinVar aggregate classification (germline): Uncertain significance (1 of 4 stars; one submission).

Submission:

GeneDx
Classification: Uncertain significance. Last evaluated: 2022-03-10. Review status: criteria provided, single submitter. Criteria: GeneDx Variant Classification Process June 2021. Collection method: clinical testing. Allele origin: germline. Affected: yes.
Comment: Not observed at significant frequency in large population cohorts (gnomAD); In silico analysis supports a deleterious effect on protein structure/function; Has not been previously published as pathogenic or benign to our knowledge